The following is an entry in ClinVar:

ClinVar aggregate classification (germline): Uncertain significance (1 of 4 stars; one submission).

gnomAD v4.1: 7 of 1,614,108 alleles (0.00043%); highest among the groups gnomAD compares: South Asian, 0.0055%; no homozygotes.

Submission:

Labcorp Genetics (formerly Invitae), Labcorp
Classification: Uncertain significance. Last evaluated: 2025-07-02. Review status: criteria provided, single submitter. Criteria: Invitae Variant Classification Sherloc (09022015). Collection method: clinical testing. Allele origin: germline.
Comment: This sequence change replaces methionine, which is neutral and non-polar, with isoleucine, which is neutral and non-polar, at codon 947 of the EIF2AK3 protein (p.Met947Ile). This variant is present in population databases (rs577767738, gnomAD 0.006%). This variant has not been reported in the literature in individuals affected with EIF2AK3-related conditions. An algorithm developed to predict the effect of missense changes on protein structure and function (PolyPhen-2) suggests that this variant is likely to be tolerated. In summary, the available evidence is currently insufficient to determine the role of this variant in disease. Therefore, it has been classified as a Variant of Uncertain Significance.

NM_004836.7(EIF2AK3):c.2841G>A (p.Met947Ile)

Genes: EIF2AK3 (eukaryotic translation initiation factor 2 alpha kinase 3; minus strand), EIF2AK3-AS1 (EIF2AK3 antisense RNA 1; plus strand). Cytogenetic location: 2p11.2.
Variant type: single nucleotide variant.
Coding change: c.2841G>A on transcript NM_004836.7 (MANE Select); coding-DNA position 2841, G replaced by A.
Protein change: p.Met947Ile; replaces methionine 947 with isoleucine.
Molecular consequence: missense variant.
Genome position (GRCh38, 1-based): chr2:88,571,018, C>T on the plus strand (G>A on the coding strand, the complement: EIF2AK3 is on the minus strand). VCF-style: chr2-88571018-C-T. GRCh37 (hg19) VCF-style: chr2-88870536-C-T.
Other names: c.2388G>A, p.Met796Ile (NM_001313915.2); short protein forms M796I, M947I.
Identifiers: ClinVar variation 4807601 (VCV004807601.1).